The following is an entry in ClinVar:

ClinVar aggregate classification (germline): Uncertain significance. Review status: criteria provided, single submitter (1 of 4 stars). 2 submissions from 2 submitters: Uncertain significance (1). 1 of the submissions does not count toward it. Last evaluated 2022-06-22.

Conditions:
Alstrom syndrome (ALMS). Identifiers: Orphanet 64, MedGen C0268425, MONDO:0008763, OMIM 203800.

Allele frequency attached by ClinVar (database versions not stated): TOPMed 0.00001; gnomAD 0.00002.
gnomAD v4.1: 3 of 1,613,962 alleles (0.00019%); highest among the groups gnomAD compares: African/African-American, 0.004%; no homozygotes.

Submissions (2):

Labcorp Genetics (formerly Invitae), Labcorp
Classification: Uncertain significance for Alstrom syndrome. Last evaluated: 2022-06-22. Review status: criteria provided, single submitter. Criteria: Invitae Variant Classification Sherloc (09022015). Collection method: clinical testing. Allele origin: germline.
Comment: This sequence change replaces aspartic acid, which is acidic and polar, with glutamic acid, which is acidic and polar, at codon 2430 of the ALMS1 protein (p.Asp2430Glu). This variant is not present in population databases (gnomAD no frequency). This variant has not been reported in the literature in individuals affected with ALMS1-related conditions. ClinVar contains an entry for this variant (Variation ID: 556607). Experimental studies and prediction algorithms are not available or were not evaluated, and the functional significance of this variant is currently unknown. In summary, the available evidence is currently insufficient to determine the role of this variant in disease. Therefore, it has been classified as a Variant of Uncertain Significance.

Counsyl
Classification: Uncertain significance for Alstrom syndrome. Last evaluated: 2018-02-16. Review status: no assertion criteria provided. Collection method: clinical testing. Allele origin: unknown. Not counted in ClinVar's aggregate classification.

NM_001378454.1(ALMS1):c.7287C>G (p.Asp2429Glu)

Gene: ALMS1 (ALMS1 centrosome and basal body associated protein; plus strand). Cytogenetic location: 2p13.1.
Variant type: single nucleotide variant.
Coding change: c.7287C>G on transcript NM_001378454.1 (MANE Select); coding-DNA position 7287, C replaced by G.
Protein change: p.Asp2429Glu; replaces aspartic acid 2429 with glutamic acid.
Molecular consequence: missense variant.
Genome position (GRCh38, 1-based): chr2:73,453,814, C>G. VCF-style: chr2-73453814-C-G. GRCh37 (hg19) VCF-style: chr2-73680941-C-G.
Other names: c.7290C>G, p.Asp2430Glu (NM_015120.4); short protein forms D2430E, D2429E.
Identifiers: ClinVar variation 556607 (VCV000556607.7), dbSNP rs994637726, ClinGen allele CA50398484.